The following is an entry in ClinVar:

NM_000228.3(LAMB3):c.3125G>A (p.Arg1042Gln)

Gene: LAMB3 (laminin subunit beta 3; minus strand). Cytogenetic location: 1q32.2.
Variant type: single nucleotide variant.
Coding change: c.3125G>A on transcript NM_000228.3 (MANE Select); coding-DNA position 3125, G replaced by A.
Protein change: p.Arg1042Gln; replaces arginine 1042 with glutamine.
Molecular consequence: missense variant.
Genome position (GRCh38, 1-based): chr1:209,617,513, C>T on the plus strand (G>A on the coding strand, the complement: LAMB3 is on the minus strand). VCF-style: chr1-209617513-C-T. GRCh37 (hg19) VCF-style: chr1-209790858-C-T.
Other names: c.3125G>A, p.Arg1042Gln (NM_001017402.2, NM_001127641.1); c.3125G>A (NM_000228.2); short protein forms R1042Q.
Identifiers: ClinVar variation 1394625 (VCV001394625.4), dbSNP rs749709873, ClinGen allele CA1374972.

ClinVar aggregate classification (germline): Uncertain significance. Review status: criteria provided, multiple submitters, no conflicts (2 of 4 stars). 2 submissions from 2 submitters: Uncertain significance (2). Last evaluated 2026-08-17.

Conditions:
Inborn genetic diseases. Identifiers: MedGen C0950123, MeSH D030342.

Allele frequency attached by ClinVar (database versions not stated): ExAC 0.00001; gnomAD exomes below 0.00001.
gnomAD v4.1: 37 of 1,613,980 alleles (0.0023%); highest among the groups gnomAD compares: East Asian, 0.0089%; no homozygotes.

Submissions (2):

Ambry Genetics
Classification: Uncertain significance for Inborn genetic diseases. Last evaluated: 2026-08-17. Review status: criteria provided, single submitter. Criteria: Ambry Variant Classification Scheme 2023. Collection method: clinical testing. Allele origin: germline.

Labcorp Genetics (formerly Invitae), Labcorp
Classification: Uncertain significance. Last evaluated: 2022-03-04. Review status: criteria provided, single submitter. Criteria: Invitae Variant Classification Sherloc (09022015). Collection method: clinical testing. Allele origin: germline.
Comment: This sequence change replaces arginine, which is basic and polar, with glutamine, which is neutral and polar, at codon 1042 of the LAMB3 protein (p.Arg1042Gln). This variant is present in population databases (rs749709873, gnomAD 0.003%). This variant has not been reported in the literature in individuals affected with LAMB3-related conditions. Algorithms developed to predict the effect of missense changes on protein structure and function (SIFT, PolyPhen-2, Align-GVGD) all suggest that this variant is likely to be tolerated. Algorithms developed to predict the effect of sequence changes on RNA splicing suggest that this variant may create or strengthen a splice site. In summary, the available evidence is currently insufficient to determine the role of this variant in disease. Therefore, it has been classified as a Variant of Uncertain Significance.